The following is an entry in ClinVar:

ClinVar aggregate classification (germline): Pathogenic (1 of 4 stars; one submission).

Submission:

Labcorp Genetics (formerly Invitae), Labcorp
Classification: Pathogenic. Last evaluated: 2024-01-19. Review status: criteria provided, single submitter. Criteria: Invitae Variant Classification Sherloc (09022015). Collection method: clinical testing. Allele origin: germline.
Comment: This sequence change creates a premature translational stop signal (p.Cys1703*) in the POLE gene. It is expected to result in an absent or disrupted protein product. Loss-of-function variants in POLE are known to be pathogenic (PMID: 23230001, 25948378, 30503519). This variant is not present in population databases (gnomAD no frequency). This variant has not been reported in the literature in individuals affected with POLE-related conditions. For these reasons, this variant has been classified as Pathogenic.

Literature cited by the submitters: PubMed 23230001; PubMed 25948378; PubMed 30503519.

NM_006231.4(POLE):c.5109T>A (p.Cys1703Ter)

Gene: POLE (DNA polymerase epsilon, catalytic subunit; minus strand). Cytogenetic location: 12q24.33.
Variant type: single nucleotide variant.
Coding change: c.5109T>A on transcript NM_006231.4 (MANE Select); coding-DNA position 5109, T replaced by A.
Protein change: p.Cys1703Ter; replaces cysteine 1703 with a stop codon.
Molecular consequence: nonsense.
Genome position (GRCh38, 1-based): chr12:132,642,241, A>T on the plus strand (T>A on the coding strand, the complement: POLE is on the minus strand). VCF-style: chr12-132642241-A-T. GRCh37 (hg19) VCF-style: chr12-133218827-A-T.
Other names: short protein forms C1703*.
Identifiers: ClinVar variation 3018249 (VCV003018249.3), dbSNP rs2541883589, ClinGen allele CA387376883.